The following is an entry in ClinVar:

NM_033026.6(PCLO):c.3743T>C (p.Leu1248Pro)

Gene: PCLO (piccolo presynaptic cytomatrix protein; minus strand). Cytogenetic location: 7q21.11.
Variant type: single nucleotide variant.
Coding change: c.3743T>C on transcript NM_033026.6 (MANE Select); coding-DNA position 3743, T replaced by C.
Protein change: p.Leu1248Pro; replaces leucine 1248 with proline.
Molecular consequence: missense variant.
Genome position (GRCh38, 1-based): chr7:82,966,045, A>G on the plus strand (T>C on the coding strand, the complement: PCLO is on the minus strand). VCF-style: chr7-82966045-A-G. GRCh37 (hg19) VCF-style: chr7-82595361-A-G.
Other names: c.3743T>C (NM_033026.5); c.3743T>C, p.Leu1248Pro (NM_014510.3); short protein forms L1248P.
Identifiers: ClinVar variation 1659666 (VCV001659666.35), dbSNP rs61995907, ClinGen allele CA4320969.

ClinVar aggregate classification (germline): Conflicting classifications of pathogenicity. Review status: criteria provided, conflicting classifications (1 of 4 stars). 6 submissions from 6 submitters: Uncertain significance (1); Likely benign (5). Last evaluated 2026-02-02.

Conditions:
Inborn genetic diseases. Identifiers: MedGen C0950123, MeSH D030342.
PCLO-related disorder. Also called: PCLO-related condition.

Allele frequency attached by ClinVar (database versions not stated): gnomAD exomes 0.00018; ExAC 0.00025; 1000 Genomes Project 0.00040; TOPMed 0.00077; 1000 Genomes Project 30x 0.00078; gnomAD 0.00079 and 0.00085; ESP Exome Variant Server 0.00093.
gnomAD v4.1: 240 of 1,613,368 alleles (0.015%); highest among the groups gnomAD compares: African/African-American, 0.28%; 1 homozygote.

Submissions (6):

Labcorp Genetics (formerly Invitae), Labcorp
Classification: Likely benign. Last evaluated: 2026-02-02. Review status: criteria provided, single submitter. Criteria: Invitae Variant Classification Sherloc (09022015). Collection method: clinical testing. Allele origin: germline.

PreventionGenetics, part of Exact Sciences
Classification: Likely benign for PCLO-related condition. Last evaluated: 2025-09-16. Review status: criteria provided, single submitter. Criteria: ACMG Guidelines, 2015. Collection method: clinical testing. Allele origin: germline.
Comment: This variant is classified as likely benign based on ACMG/AMP sequence variant interpretation guidelines (Richards et al. 2015 PMID: 25741868, with internal and published modifications).

Women's Health and Genetics/Laboratory Corporation of America, LabCorp
Classification: Likely benign. Last evaluated: 2024-04-05. Review status: criteria provided, single submitter. Criteria: LabCorp Variant Classification Summary - May 2015. Collection method: clinical testing. Allele origin: germline.
Comment: Variant summary: PCLO c.3743T>C (p.Leu1248Pro) results in a non-conservative amino acid change in the encoded protein sequence. Three of five in-silico tools predict a benign effect of the variant on protein function. The variant allele was found at a frequency of 0.00015 in 1613368 control chromosomes, predominantly at a frequency of 0.0028 within the African or African-American subpopulation in the gnomAD database, including 1 homozygotes. To our knowledge, no occurrence of c.3743T>C in individuals affected with Pontocerebellar Hypoplasia Type 3 and no experimental evidence demonstrating its impact on protein function have been reported. ClinVar contains an entry for this variant (Variation ID: 1659666). Based on the evidence outlined above, the variant was classified as likely benign.

CeGaT Center for Human Genetics Tuebingen
Classification: Likely benign. Last evaluated: 2022-04-01. Review status: criteria provided, single submitter. Criteria: CeGaT Center For Human Genetics Tuebingen Variant Classification Criteria Version 2. Collection method: clinical testing. Allele origin: germline. Affected: yes. Observed: 1 variant allele.
Comment: PCLO: BP4

Ambry Genetics
Classification: Uncertain significance for Inborn genetic diseases. Last evaluated: 2021-08-10. Review status: criteria provided, single submitter. Criteria: Ambry Variant Classification Scheme 2023. Collection method: clinical testing. Allele origin: germline.

Breakthrough Genomics
Classification: Likely benign. Review status: criteria provided, single submitter. Criteria: ACMG Guidelines, 2015. Collection method: not provided. Allele origin: germline. Inheritance: Autosomal recessive inheritance. Affected: yes.